The following is an entry in ClinVar:

NM_001267550.2(TTN):c.62801A>G (p.Tyr20934Cys)

Genes: TTN (titin; minus strand), TTN-AS1 (TTN antisense RNA 1; plus strand). Cytogenetic location: 2q31.2.
Variant type: single nucleotide variant.
Coding change: c.62801A>G on transcript NM_001267550.2 (MANE Select); coding-DNA position 62801, A replaced by G.
Protein change: p.Tyr20934Cys; replaces tyrosine 20934 with cysteine.
Molecular consequence: missense variant.
Genome position (GRCh38, 1-based): chr2:178,588,924, T>C on the plus strand (A>G on the coding strand, the complement: TTN is on the minus strand). VCF-style: chr2-178588924-T-C. GRCh37 (hg19) VCF-style: chr2-179453651-T-C.
Other names: c.57878A>G, p.Tyr19293Cys (NM_001256850.1); c.35606A>G, p.Tyr11869Cys (NM_003319.4); c.55097A>G, p.Tyr18366Cys (NM_133378.4); c.35981A>G, p.Tyr11994Cys (NM_133432.3); c.36182A>G, p.Tyr12061Cys (NM_133437.4); short protein forms Y11994C, Y18366C, Y19293C, Y11869C, Y20934C, Y12061C.
Identifiers: ClinVar variation 1732698 (VCV001732698.2), dbSNP rs568688685, ClinGen allele CA1992181.

ClinVar aggregate classification (germline): Uncertain significance (1 of 4 stars; one submission).

Conditions:
Cardiovascular phenotype. Identifiers: MedGen CN230736.

Allele frequency attached by ClinVar (database versions not stated): gnomAD exomes below 0.00001; TOPMed below 0.00001; ExAC 0.00001; gnomAD 0.00002; 1000 Genomes Project 0.00020; 1000 Genomes Project 30x 0.00031.
gnomAD v4.1: 4 of 1,612,984 alleles (0.00025%); highest among the groups gnomAD compares: African/African-American, 0.0053%; no homozygotes.

Submission:

Ambry Genetics
Classification: Uncertain significance for Cardiovascular phenotype. Last evaluated: 2018-02-07. Review status: criteria provided, single submitter. Criteria: Ambry Variant Classification Scheme 2023. Collection method: clinical testing. Allele origin: germline.
Comment: The p.Y11869C variant (also known as c.35606A>G), located in coding exon 131 of the TTN gene, results from an A to G substitution at nucleotide position 35606. The tyrosine at codon 11869 is replaced by cysteine, an amino acid with highly dissimilar properties. This amino acid position is highly conserved in available vertebrate species. In addition, the in silico prediction for this alteration is inconclusive. Since supporting evidence is limited at this time, the clinical significance of this alteration remains unclear.